The following is an entry in ClinVar:

ClinVar aggregate classification (germline): Uncertain significance (1 of 4 stars; one submission).

Conditions:
Hereditary pancreatitis (PCTT). Also called: Hereditary chronic pancreatitis; PRSS1-Related Hereditary Pancreatitis. Identifiers: Orphanet 676, MedGen C0238339, MONDO:0008185, OMIM 167800.

gnomAD v4.1: 1 of 1,614,240 alleles (0.000062%); highest among the groups gnomAD compares: Non-Finnish European, 0.000085%; no homozygotes.

Submission:

Ambry Genetics
Classification: Uncertain significance for Hereditary pancreatitis. Last evaluated: 2026-06-24. Review status: criteria provided, single submitter. Criteria: Ambry Variant Classification Scheme 2023. Collection method: clinical testing. Allele origin: germline.
Comment: The p.S144G variant (also known as c.430A>G), located in coding exon 4 of the CPA1 gene, results from an A to G substitution at nucleotide position 430. The serine at codon 144 is replaced by glycine, an amino acid with similar properties. This amino acid position is conserved. In addition, this alteration is predicted to be tolerated by in silico analysis. Based on the available evidence, the clinical significance of this variant remains unclear.

NM_001868.4(CPA1):c.430A>G (p.Ser144Gly)

Gene: CPA1 (carboxypeptidase A1; plus strand). Cytogenetic location: 7q32.2.
Variant type: single nucleotide variant.
Coding change: c.430A>G on transcript NM_001868.4 (MANE Select); coding-DNA position 430, A replaced by G.
Protein change: p.Ser144Gly; replaces serine 144 with glycine.
Molecular consequence: missense variant.
Genome position (GRCh38, 1-based): chr7:130,382,156, A>G. VCF-style: chr7-130382156-A-G. GRCh37 (hg19) VCF-style: chr7-130021997-A-G.
Other names: short protein forms S144G.
Identifiers: ClinVar variation 5034897 (VCV005034897.1).
Genomic context (GRCh38, chr7:130,382,156, plus strand): 5'-TTCACACCTCAGATCTATGACTTCCTGGACCTGCTGGTGGCGGAGAACCCGCACCTTGTC[A>G]GCAAGATCCAGATTGGCAACACCTATGAAGGGCGTCCCATTTACGTGCTGAAGGTAACAT-3'
Protein context (NP_001859.1, residues 134-154): LLVAENPHLV[Ser144Gly]KIQIGNTYEG